The following is an entry in ClinVar:

ClinVar aggregate classification (germline): Uncertain significance (1 of 4 stars; one submission).

Submission:

GeneDx
Classification: Uncertain significance. Last evaluated: 2024-08-30. Review status: criteria provided, single submitter. Criteria: GeneDx Variant Classification Process June 2021. Collection method: clinical testing. Allele origin: germline. Affected: yes.
Comment: Not observed at significant frequency in large population cohorts (gnomAD); In silico analysis indicates that this missense variant does not alter protein structure/function; Has not been previously published as pathogenic or benign to our knowledge

NM_001330260.2(SCN8A):c.2244G>T (p.Leu748Phe)

Gene: SCN8A (sodium voltage-gated channel alpha subunit 8; plus strand). Cytogenetic location: 12q13.13.
Variant type: single nucleotide variant.
Coding change: c.2244G>T on transcript NM_001330260.2 (MANE Select); coding-DNA position 2244, G replaced by T.
Protein change: p.Leu748Phe; replaces leucine 748 with phenylalanine.
Molecular consequence: missense variant.
Genome position (GRCh38, 1-based): chr12:51,751,467, G>T. VCF-style: chr12-51751467-G-T. GRCh37 (hg19) VCF-style: chr12-52145251-G-T.
Other names: c.2244G>T, p.Leu748Phe (NM_001177984.3, NM_001369788.1, NM_014191.4); short protein forms L748F.
Identifiers: ClinVar variation 3766024 (VCV003766024.1).
Genomic context (GRCh38, chr12:51,751,467, plus strand): 5'-CACTTTCCTCATCTGGGAGTGCCACCCCTACTGGATAAAACTGAAAGAGATTGTGAACTT[G>T]ATAGTTATGGACCCTTTTGTGGATTTAGCCATCACCATCTGCATCGTCCTGAATACACTG-3'
Protein context (NP_001317189.1, residues 738-758): YWIKLKEIVN[Leu748Phe]IVMDPFVDLA